The following is an entry in ClinVar:

ClinVar aggregate classification (germline): Uncertain significance. Review status: criteria provided, multiple submitters, no conflicts (2 of 4 stars). 2 submissions from 2 submitters: Uncertain significance (2). Last evaluated 2025-08-07.

Submissions (2):

Ambry Genetics
Classification: Uncertain significance. Last evaluated: 2025-08-07. Review status: criteria provided, single submitter. Criteria: Ambry Variant Classification Scheme 2023. Collection method: clinical testing. Allele origin: germline.

Labcorp Genetics (formerly Invitae), Labcorp
Classification: Uncertain significance. Last evaluated: 2025-04-07. Review status: criteria provided, single submitter. Criteria: Invitae Variant Classification Sherloc (09022015). Collection method: clinical testing. Allele origin: germline.
Comment: This sequence change replaces arginine, which is basic and polar, with cysteine, which is neutral and slightly polar, at codon 1162 of the DHX38 protein (p.Arg1162Cys). The frequency data for this variant in the population databases is considered unreliable, as metrics indicate poor data quality at this position in the gnomAD database. This variant has not been reported in the literature in individuals affected with DHX38-related conditions. Invitae Evidence Modeling of protein sequence and biophysical properties (such as structural, functional, and spatial information, amino acid conservation, physicochemical variation, residue mobility, and thermodynamic stability) indicates that this missense variant is not expected to disrupt DHX38 protein function with a negative predictive value of 80%. In summary, the available evidence is currently insufficient to determine the role of this variant in disease. Therefore, it has been classified as a Variant of Uncertain Significance.

NM_014003.4(DHX38):c.3484C>T (p.Arg1162Cys)

Gene: DHX38 (DEAH-box helicase 38; plus strand). Cytogenetic location: 16q22.2.
Variant type: single nucleotide variant.
Coding change: c.3484C>T on transcript NM_014003.4 (MANE Select); coding-DNA position 3484, C replaced by T.
Protein change: p.Arg1162Cys; replaces arginine 1162 with cysteine.
Molecular consequence: missense variant.
Genome position (GRCh38, 1-based): chr16:72,110,962, C>T. VCF-style: chr16-72110962-C-T. GRCh37 (hg19) VCF-style: chr16-72144861-C-T.
Other names: short protein forms R1162C.
Identifiers: ClinVar variation 4240343 (VCV004240343.2).